The following is an entry in ClinVar:

ClinVar aggregate classification (germline): Pathogenic (1 of 4 stars; one submission).

Conditions:
Idiopathic Pulmonary Fibrosis. Also called: Idiopathic fibrosing alveolitis, chronic form; idiopathic fibrosing alveolitis. Identifiers: Orphanet 2032, MedGen C1800706, MeSH D054990, MONDO:0800504.
Dyskeratosis congenita, autosomal dominant 2. Identifiers: MedGen C3151443, MONDO:0013521, OMIM 613989.

Submission:

Labcorp Genetics (formerly Invitae), Labcorp
Classification: Pathogenic for Dyskeratosis congenita, autosomal dominant 2; Idiopathic Pulmonary Fibrosis. Last evaluated: 2024-03-07. Review status: criteria provided, single submitter. Criteria: Invitae Variant Classification Sherloc (09022015). Collection method: clinical testing. Allele origin: germline.
Comment: This sequence change creates a premature translational stop signal (p.Thr375Leufs*134) in the TERT gene. It is expected to result in an absent or disrupted protein product. Loss-of-function variants in TERT are known to be pathogenic (PMID: 16247010, 17460043). This variant is not present in population databases (gnomAD no frequency). This variant has not been reported in the literature in individuals affected with TERT-related conditions. ClinVar contains an entry for this variant (Variation ID: 1379443). For these reasons, this variant has been classified as Pathogenic.

Literature cited by the submitters: PubMed 16247010; PubMed 17460043.

NM_198253.3(TERT):c.1122del (p.Thr375fs)

Gene: TERT (telomerase reverse transcriptase; minus strand). Cytogenetic location: 5p15.33.
Variant type: Deletion.
Coding change: c.1122del on transcript NM_198253.3 (MANE Select); coding-DNA position 1122, one base deleted (G; older notation c.1122delG).
Protein change: p.Thr375fs; shifts the reading frame from threonine 375.
Molecular consequence: frameshift variant. On other transcripts: non-coding transcript variant (2).
Genome position (GRCh38, 1-based): chr5:1,293,764, C deleted on the plus strand (G on the coding strand, the reverse complement: TERT is on the minus strand); the first of 3 consecutive C bases (chr5:1,293,764-1,293,766); deleting any one gives the same sequence. VCF-style (leftmost placement, unchanged base first): chr5-1293763-TC-T. GRCh37 (hg19) VCF-style: chr5-1293878-TC-T.
Other names: c.1122del, p.Thr375fs (NM_001193376.3); short protein forms T375fs.
Identifiers: ClinVar variation 1379443 (VCV001379443.6), dbSNP rs2126685887, ClinGen allele CA2573138411.